The following is an entry in ClinVar:

NM_002661.5(PLCG2):c.3729G>C (p.Gln1243His)

Gene: PLCG2 (phospholipase C gamma 2; plus strand). Cytogenetic location: 16q23.3.
Variant type: single nucleotide variant.
Coding change: c.3729G>C on transcript NM_002661.5 (MANE Select); coding-DNA position 3729, G replaced by C.
Protein change: p.Gln1243His; replaces glutamine 1243 with histidine.
Molecular consequence: missense variant.
Genome position (GRCh38, 1-based): chr16:81,956,853, G>C. VCF-style: chr16-81956853-G-C. GRCh37 (hg19) VCF-style: chr16-81990458-G-C.
Other names: short protein forms Q1243H.
Identifiers: ClinVar variation 2107000 (VCV002107000.9), dbSNP rs764040645, ClinGen allele CA8194810.

ClinVar aggregate classification (germline): Conflicting classifications of pathogenicity. Review status: criteria provided, conflicting classifications (1 of 4 stars). 2 submissions from 2 submitters: Uncertain significance (1); Likely benign (1). Last evaluated 2026-01-01.

Conditions:
Familial cold autoinflammatory syndrome 3 (FCAS3). Also called: FAMILIAL ATYPICAL COLD URTICARIA; ANTIBODY DEFICIENCY AND IMMUNE DYSREGULATION, PLCG2-ASSOCIATED. Identifiers: Orphanet 300359, MedGen C3280914, MONDO:0013766, OMIM 614468.

Allele frequency attached by ClinVar (database versions not stated): gnomAD exomes below 0.00001; ExAC 0.00002.
gnomAD v4.1: 2 of 1,613,884 alleles (0.00012%); highest among the groups gnomAD compares: South Asian, 0.0011%; no homozygotes.

Submissions (2):

CeGaT Center for Human Genetics Tuebingen
Classification: Likely benign. Last evaluated: 2026-01-01. Review status: criteria provided, single submitter. Criteria: CeGaT Center For Human Genetics Tuebingen Variant Classification Criteria Version 2. Collection method: clinical testing. Allele origin: germline. Affected: yes. Observed: 1 variant allele.
Comment: PLCG2: BP4

Labcorp Genetics (formerly Invitae), Labcorp
Classification: Uncertain significance for Familial cold autoinflammatory syndrome 3. Last evaluated: 2025-10-09. Review status: criteria provided, single submitter. Criteria: Invitae Variant Classification Sherloc (09022015). Collection method: clinical testing. Allele origin: germline.
Comment: This sequence change replaces glutamine, which is neutral and polar, with histidine, which is basic and polar, at codon 1243 of the PLCG2 protein (p.Gln1243His). This variant is present in population databases (rs764040645, gnomAD 0.007%). This variant has not been reported in the literature in individuals affected with PLCG2-related conditions. ClinVar contains an entry for this variant (Variation ID: 2107000). An algorithm developed to predict the effect of missense changes on protein structure and function outputs the following: PolyPhen-2: "Possibly Damaging". The histidine amino acid residue is found in multiple mammalian species, which suggests that this missense change does not adversely affect protein function. In summary, the available evidence is currently insufficient to determine the role of this variant in disease. Therefore, it has been classified as a Variant of Uncertain Significance.